The following is an entry in ClinVar:

ClinVar aggregate classification (germline): Benign (0 of 4 stars; one submission).

Conditions:
HSD11B1-related disorder. Also called: HSD11B1-related condition.

Allele frequency attached by ClinVar (database versions not stated): TOPMed 0.00028; ESP Exome Variant Server 0.00031; 1000 Genomes Project 0.00060; 1000 Genomes Project 30x 0.00062; gnomAD exomes 0.00078; gnomAD 0.00097; ExAC 0.00119.
gnomAD v4.1: 1,269 of 1,614,040 alleles (0.079%); highest among the groups gnomAD compares: Non-Finnish European, 0.059%; 3 homozygotes.

Submission:

PreventionGenetics, part of Exact Sciences
Classification: Benign for HSD11B1-related condition. Last evaluated: 2019-12-16. Review status: no assertion criteria provided. Collection method: clinical testing. Allele origin: germline.
Comment: This variant is classified as benign based on ACMG/AMP sequence variant interpretation guidelines (Richards et al. 2015 PMID: 25741868, with internal and published modifications).

NM_005525.4(HSD11B1):c.165G>A (p.Ala55=)

Genes: HSD11B1 (hydroxysteroid 11-beta dehydrogenase 1; plus strand), HSD11B1-AS1 (HSD11B1 antisense RNA 1; minus strand). Cytogenetic location: 1q32.2.
Variant type: single nucleotide variant.
Coding change: c.165G>A on transcript NM_005525.4 (MANE Select); coding-DNA position 165, G replaced by A.
Protein change: p.Ala55=; no amino-acid change (alanine 55 retained).
Molecular consequence: synonymous variant.
Genome position (GRCh38, 1-based): chr1:209,705,887, G>A. VCF-style: chr1-209705887-G-A. GRCh37 (hg19) VCF-style: chr1-209879232-G-A.
Other names: c.165G>A, p.Ala55= (NM_001206741.2, NM_181755.3).
Identifiers: ClinVar variation 3048552 (VCV003048552.2), dbSNP rs146919819, ClinGen allele CA1376277.